The following is an entry in ClinVar:

NM_001080466.2(BTBD17):c.651G>T (p.Leu217=)

Gene: BTBD17 (BTB domain containing 17; minus strand). Cytogenetic location: 17q25.1.
Variant type: single nucleotide variant.
Coding change: c.651G>T on transcript NM_001080466.2 (MANE Select); coding-DNA position 651, G replaced by T.
Protein change: p.Leu217=; no amino-acid change (leucine 217 retained).
Molecular consequence: synonymous variant.
Genome position (GRCh38, 1-based): chr17:74,357,443, C>A on the plus strand (G>T on the coding strand, the complement: BTBD17 is on the minus strand). VCF-style: chr17-74357443-C-A. GRCh37 (hg19) VCF-style: chr17-72353582-C-A.
Identifiers: ClinVar variation 4873553 (VCV004873553.2).

ClinVar aggregate classification (germline): Likely benign (1 of 4 stars; one submission).

Submission:

CeGaT Center for Human Genetics Tuebingen
Classification: Likely benign. Last evaluated: 2026-05-01. Review status: criteria provided, single submitter. Criteria: CeGaT Center For Human Genetics Tuebingen Variant Classification Criteria Version 2. Collection method: clinical testing. Allele origin: germline. Affected: yes. Observed: 1 variant allele.
Comment: BTBD17: PM2:Supporting, BP4, BP7